The following is an entry in ClinVar:

NM_001379500.1(COL18A1):c.107-11532G>T

Gene: COL18A1 (collagen type XVIII alpha 1 chain; plus strand). Cytogenetic location: 21q22.3.
Variant type: single nucleotide variant.
Coding change: c.107-11532G>T on transcript NM_001379500.1 (MANE Select); 11532 bases into the intron before coding-DNA position 107, G replaced by T.
Molecular consequence: intron variant. On other transcripts: missense variant (1).
Genome position (GRCh38, 1-based): chr21:45,456,710, G>T. VCF-style: chr21-45456710-G-T. GRCh37 (hg19) VCF-style: chr21-46876624-G-T.
Other names: c.1180G>T, p.Val394Phe (NM_130444.3); c.646+534G>T (NM_030582.4); short protein forms V394F.
Identifiers: ClinVar variation 4979106 (VCV004979106.1).

ClinVar aggregate classification (germline): Uncertain significance (1 of 4 stars; one submission).

Conditions:
COL18A1-related disorder. Also called: COL18A1-related disorders; COL18A1-related condition.

gnomAD v4.1: 25 of 1,532,660 alleles (0.0016%); highest among the groups gnomAD compares: Admixed American, 0.022%; no homozygotes.

Submission:

PreventionGenetics, part of Exact Sciences
Classification: Uncertain significance for COL18A1-related condition. Last evaluated: 2025-04-08. Review status: criteria provided, single submitter. Criteria: ACMG Guidelines, 2015. Collection method: clinical testing. Allele origin: germline.
Comment: The COL18A1 c.1180G>T variant is predicted to result in the amino acid substitution p.Val394Phe. To our knowledge, this variant has not been reported in the literature. This variant is present in 0.0040% of alleles in individuals of Latino descent in gnomAD. At this time, the clinical significance of this variant is uncertain due to the absence of conclusive functional and genetic evidence.